The following is an entry in ClinVar:

ClinVar aggregate classification (germline): Pathogenic (1 of 4 stars; one submission).

Conditions:
Duchenne muscular dystrophy (DMD). Also called: MUSCULAR DYSTROPHY, PSEUDOHYPERTROPHIC PROGRESSIVE, DUCHENNE TYPE; Duchenne Muscular Dystrophy (DMD). Identifiers: Orphanet 98896, MedGen C0013264, MONDO:0010679, OMIM 310200.

Submission:

Labcorp Genetics (formerly Invitae), Labcorp
Classification: Pathogenic for Duchenne muscular dystrophy. Last evaluated: 2024-01-17. Review status: criteria provided, single submitter. Criteria: Invitae Variant Classification Sherloc (09022015). Collection method: clinical testing. Allele origin: germline.
Comment: This variant is a gross deletion of the genomic region encompassing exon(s) 51-52 of the DMD gene. This variant would be expected to be in-frame, preserving the integrity of the reading frame. A similar copy number variant has been observed in individuals with dystrophinopathies, such as Duchenne and Becker muscular dystrophy as well as in individuals with dilated cardiomyopathy (PMID: 10480348, 17259292, 23914114, 32169422, 33238405, Invitae). For these reasons, this variant has been classified as Pathogenic.

Literature cited by the submitters: PubMed 10480348; PubMed 17259292; PubMed 23914114; PubMed 32169422; PubMed 33238405; PubMed 29984652.

NC_000023.11:g.(?_31729611)_(31774212_?)del

Gene: DMD (dystrophin; minus strand). Cytogenetic location: Xp21.1.
Variant type: Deletion.
Identifiers: ClinVar variation 584110 (VCV000584110.10).